The following is an entry in ClinVar:

ClinVar aggregate classification (germline): Uncertain significance (1 of 4 stars; one submission).

Conditions:
Lethal congenital glycogen storage disease of heart. Also called: GLYCOGEN STORAGE DISEASE OF HEART; PHOSPHORYLASE KINASE DEFICIENCY OF HEART. Identifiers: Orphanet 439854, MedGen C1849813, MONDO:0009867, OMIM 261740.

Submission:

Labcorp Genetics (formerly Invitae), Labcorp
Classification: Uncertain significance for Lethal congenital glycogen storage disease of heart. Last evaluated: 2023-05-02. Review status: criteria provided, single submitter. Criteria: Invitae Variant Classification Sherloc (09022015). Collection method: clinical testing. Allele origin: unknown.
Comment: In summary, the available evidence is currently insufficient to determine the role of this variant in disease. Therefore, it has been classified as a Variant of Uncertain Significance. This variant has not been reported in the literature in individuals affected with PRKAG2-related conditions. This variant results in a copy number gain of the genomic region encompassing exon(s) 7-16 of the PRKAG2 gene. This region includes the termination codon of the gene. This copy number gain extends beyond the assayed region for this gene and therefore may encompass additional genes. As the precise location of this event is unknown, it may be in tandem or it may be located elsewhere in the genome.

NC_000007.13:g.(?_151254287)_(151273558_?)dup

Gene: PRKAG2 (protein kinase AMP-activated non-catalytic subunit gamma 2; minus strand). Cytogenetic location: 7q36.1.
Variant type: Duplication.
Identifiers: ClinVar variation 3245748 (VCV003245748.1).